The following is an entry in ClinVar:

NM_018975.4(TERF2IP):c.344C>G (p.Pro115Arg)

Gene: TERF2IP (TERF2 interacting protein; plus strand). Cytogenetic location: 16q23.1.
Variant type: single nucleotide variant.
Coding change: c.344C>G on transcript NM_018975.4 (MANE Select); coding-DNA position 344, C replaced by G.
Protein change: p.Pro115Arg; replaces proline 115 with arginine.
Molecular consequence: missense variant. On other transcripts: non-coding transcript variant (1).
Genome position (GRCh38, 1-based): chr16:75,648,226, C>G. VCF-style: chr16-75648226-C-G. GRCh37 (hg19) VCF-style: chr16-75682124-C-G.
Other names: short protein forms P115R.
Identifiers: ClinVar variation 3455098 (VCV003455098.1).
Genomic context (GRCh38, chr16:75,648,226, plus strand): 5'-AGCTGGAGGCCTATCGGCTGGGCCCCGCCTCGGCGGCGGACACCGGCTCGGAAGCAAAGC[C>G]CGGGGCCCTGGCCGAGGGCGCCGCGGAGCCGGAGCCGCAGCGGCACGCCGGGCGGATCGC-3'
Protein context (NP_061848.2, residues 105-125): SAADTGSEAK[Pro115Arg]GALAEGAAEP

ClinVar aggregate classification (germline): Uncertain significance (1 of 4 stars; one submission).

gnomAD v4.1: 2 of 1,545,724 alleles (0.00013%); highest among the groups gnomAD compares: Non-Finnish European, 0.00017%; no homozygotes.

Submission:

Ambry Genetics
Classification: Uncertain significance. Last evaluated: 2024-09-02. Review status: criteria provided, single submitter. Criteria: Ambry Variant Classification Scheme 2023. Collection method: clinical testing. Allele origin: germline.
Comment: The p.P115R variant (also known as c.344C>G), located in coding exon 1 of the TERF2IP gene, results from a C to G substitution at nucleotide position 344. The proline at codon 115 is replaced by arginine, an amino acid with dissimilar properties. This amino acid position is conserved. In addition, this alteration is predicted to be tolerated by in silico analysis. Based on the available evidence, the clinical significance of this variant remains unclear.